The following is an entry in ClinVar:

NM_201384.3(PLEC):c.10555G>A (p.Glu3519Lys)

Gene: PLEC (plectin; minus strand). Cytogenetic location: 8q24.3.
Variant type: single nucleotide variant.
Coding change: c.10555G>A on transcript NM_201384.3 (MANE Select); coding-DNA position 10555, G replaced by A.
Protein change: p.Glu3519Lys; replaces glutamic acid 3519 with lysine.
Molecular consequence: missense variant.
Genome position (GRCh38, 1-based): chr8:143,919,266, C>T on the plus strand (G>A on the coding strand, the complement: PLEC is on the minus strand). VCF-style: chr8-143919266-C-T. GRCh37 (hg19) VCF-style: chr8-144993434-C-T.
Other names: c.10636G>A, p.Glu3546Lys (NM_000445.5); c.7255G>A, p.Glu2419Lys (NM_001410941.1); c.10513G>A, p.Glu3505Lys (NM_201378.4); c.10489G>A, p.Glu3497Lys (NM_201379.3); c.10966G>A, p.Glu3656Lys (NM_201380.4); c.10459G>A, p.Glu3487Lys (NM_201381.3); c.10555G>A, p.Glu3519Lys (NM_201382.4); c.10567G>A, p.Glu3523Lys (NM_201383.3); short protein forms E2419K, E3487K, E3523K, E3546K, E3505K, E3656K, E3497K, E3519K.
Identifiers: ClinVar variation 4783307 (VCV004783307.1).

ClinVar aggregate classification (germline): Uncertain significance (1 of 4 stars; one submission).

Conditions:
Epidermolysis bullosa simplex with nail dystrophy (EBS5D). Identifiers: MedGen C4225309, MONDO:0014661, OMIM 616487.
Epidermolysis bullosa simplex, Ogna type (EBS5A). Also called: Pidermolysis bullosa simplex 5A, Ogna type; EPIDERMOLYSIS BULLOSA SIMPLEX 5A, OGNA TYPE. Identifiers: Orphanet 79401, MedGen C0432317, MONDO:0007555, OMIM 131950.
Epidermolysis bullosa simplex 5B, with muscular dystrophy (EBS5B). Also called: Epidermolysis bullosa simplex with muscular dystrophy; EPIDERMOLYSIS BULLOSA SIMPLEX AND LIMB-GIRDLE MUSCULAR DYSTROPHY. Identifiers: Orphanet 257, MedGen C2931072, MONDO:0009181, OMIM 226670.
Autosomal recessive limb-girdle muscular dystrophy type 2Q (LGMDR17). Also called: MUSCULAR DYSTROPHY, LIMB-GIRDLE, AUTOSOMAL RECESSIVE 17. Identifiers: Orphanet 254361, MedGen C3150989, MONDO:0013390, OMIM 613723.
Epidermolysis bullosa simplex 5C, with pyloric atresia (EBS5C). Also called: PLEC-Related Epidermolysis Bullosa with Pyloric Atresia; Epidermolysis bullosa simplex with pyloric atresia; PLEC1-Related Epidermolysis Bullosa with Pyloric Atresia. Identifiers: Orphanet 158684, MedGen C2677349, MONDO:0012807, OMIM 612138.

Submission:

Labcorp Genetics (formerly Invitae), Labcorp
Classification: Uncertain significance for Autosomal recessive limb-girdle muscular dystrophy type 2Q; Epidermolysis bullosa simplex, Ogna type; Epidermolysis bullosa simplex with nail dystrophy; Epidermolysis bullosa simplex 5C, with pyloric atresia; Epidermolysis bullosa simplex 5B, with muscular dystrophy. Last evaluated: 2025-09-10. Review status: criteria provided, single submitter. Criteria: Invitae Variant Classification Sherloc (09022015). Collection method: clinical testing. Allele origin: germline.
Comment: This sequence change replaces glutamic acid, which is acidic and polar, with lysine, which is basic and polar, at codon 3546 of the PLEC protein (p.Glu3546Lys). This variant is not present in population databases (gnomAD no frequency). This variant has not been reported in the literature in individuals affected with PLEC-related conditions. Invitae Evidence Modeling of protein sequence and biophysical properties (such as structural, functional, and spatial information, amino acid conservation, physicochemical variation, residue mobility, and thermodynamic stability) has been performed for this missense variant. However, the output from this modeling did not meet the statistical confidence thresholds required to predict the impact of this variant on PLEC protein function. In summary, the available evidence is currently insufficient to determine the role of this variant in disease. Therefore, it has been classified as a Variant of Uncertain Significance.